The following is an entry in ClinVar:

ClinVar aggregate classification (germline): Uncertain significance (1 of 4 stars; one submission).

Submission:

Labcorp Genetics (formerly Invitae), Labcorp
Classification: Uncertain significance. Last evaluated: 2023-08-10. Review status: criteria provided, single submitter. Criteria: Invitae Variant Classification Sherloc (09022015). Collection method: clinical testing. Allele origin: germline.
Comment: In summary, the available evidence is currently insufficient to determine the role of this variant in disease. Therefore, it has been classified as a Variant of Uncertain Significance. An algorithm developed to predict the effect of missense changes on protein structure and function (PolyPhen-2) suggests that this variant is likely to be disruptive. ClinVar contains an entry for this variant (Variation ID: 840692). This variant has not been reported in the literature in individuals affected with TOPORS-related conditions. This variant is not present in population databases (gnomAD no frequency). This sequence change replaces threonine, which is neutral and polar, with alanine, which is neutral and non-polar, at codon 183 of the TOPORS protein (p.Thr183Ala).

NM_005802.5(TOPORS):c.547A>G (p.Thr183Ala)

Gene: TOPORS (TOP1 binding arginine/serine rich protein, E3 ubiquitin ligase; minus strand). Cytogenetic location: 9p21.1.
Variant type: single nucleotide variant.
Coding change: c.547A>G on transcript NM_005802.5 (MANE Select); coding-DNA position 547, A replaced by G.
Protein change: p.Thr183Ala; replaces threonine 183 with alanine.
Molecular consequence: missense variant.
Genome position (GRCh38, 1-based): chr9:32,543,978, T>C on the plus strand (A>G on the coding strand, the complement: TOPORS is on the minus strand). VCF-style: chr9-32543978-T-C. GRCh37 (hg19) VCF-style: chr9-32543976-T-C.
Other names: c.352A>G, p.Thr118Ala (NM_001195622.2); short protein forms T118A, T183A.
Identifiers: ClinVar variation 840692 (VCV000840692.9), dbSNP rs1821109743, ClinGen allele CA373172397.